The following is an entry in ClinVar:

NM_018979.4(WNK1):c.6828C>T (p.Tyr2276=)

Gene: WNK1 (WNK lysine deficient protein kinase 1; plus strand). Cytogenetic location: 12p13.33.
Variant type: single nucleotide variant.
Coding change: c.6828C>T on transcript NM_018979.4 (MANE Select); coding-DNA position 6828, C replaced by T.
Protein change: p.Tyr2276=; no amino-acid change (tyrosine 2276 retained).
Molecular consequence: synonymous variant.
Genome position (GRCh38, 1-based): chr12:908,031, C>T. VCF-style: chr12-908031-C-T. GRCh37 (hg19) VCF-style: chr12-1017197-C-T.
Other names: p.Tyr2276=; c.7608C>T, p.Tyr2536= (NM_001184985.2); c.6084C>T, p.Tyr2028= (NM_014823.3); c.7584C>T, p.Tyr2528= (NM_213655.5).
Identifiers: ClinVar variation 261074 (VCV000261074.29), dbSNP rs4766334, ClinGen allele CA6383499.

ClinVar aggregate classification (germline): Benign. Review status: criteria provided, multiple submitters, no conflicts (2 of 4 stars). 12 submissions from 12 submitters: Benign (9). 3 of the submissions do not count toward it. Last evaluated 2026-02-04.

Conditions:
Neuropathy, hereditary sensory and autonomic, type 2A (HSAN2A). Also called: ACROOSTEOLYSIS, GIACCAI TYPE; ACROOSTEOLYSIS, NEUROGENIC; WNK1-Related HSAN2 (HSAN2A); HSAN IIA; MORVAN DISEASE; NEUROPATHY, CONGENITAL SENSORY. Identifiers: Orphanet 970, MedGen C2752089, MONDO:0024309, OMIM 201300.
Pseudohypoaldosteronism type 2C (PHA2C). Also called: Pseudohypoaldosteronism Type IIC. Identifiers: Orphanet 757, Orphanet 88940, MedGen C1840391, MONDO:0013778, OMIM 614492.

Allele frequency attached by ClinVar (database versions not stated): ESP Exome Variant Server 0.98616; 1000 Genomes Project 30x 0.98657; 1000 Genomes Project 0.98702; TOPMed 0.98741; gnomAD 0.98834 and 0.98898; ExAC 0.99643; gnomAD exomes 0.99696 and 0.99880.
gnomAD v4.1: 1,610,593 of 1,614,094 alleles (100%); highest among the groups gnomAD compares: East Asian, 100%; 803,609 homozygotes.

Submissions (12):

Labcorp Genetics (formerly Invitae), Labcorp
Classification: Benign for Neuropathy, hereditary sensory and autonomic, type 2A; Pseudohypoaldosteronism type 2C. Last evaluated: 2026-02-04. Review status: criteria provided, single submitter. Criteria: Invitae Variant Classification Sherloc (09022015). Collection method: clinical testing. Allele origin: germline.

Athena Diagnostics
Classification: Benign. Last evaluated: 2025-06-20. Review status: criteria provided, single submitter. Criteria: Athena Diagnostics Criteria. Collection method: clinical testing. Allele origin: unknown.
Comment: The frequency of this variant in the general population is higher than would generally be expected for pathogenic variants in this gene.

Blueprint Genetics
Classification: Benign. Last evaluated: 2024-11-27. Review status: criteria provided, single submitter. Criteria: ACMG Guidelines, 2015. Collection method: clinical testing. Allele origin: germline.

Mayo Clinic Laboratories, Mayo Clinic
Classification: Benign. Last evaluated: 2022-03-09. Review status: criteria provided, single submitter. Criteria: ACMG Guidelines, 2015. Collection method: clinical testing. Allele origin: germline. Observed: 2,309 variant alleles.

Genome-Nilou Lab
Classification: Benign for Neuropathy, hereditary sensory and autonomic, type 2A. Last evaluated: 2021-07-14. Review status: criteria provided, single submitter. Criteria: ACMG Guidelines, 2015. Collection method: clinical testing. Allele origin: germline. Affected: no.

Illumina Laboratory Services, Illumina
Classification: Benign for Pseudohypoaldosteronism type 2C. Last evaluated: 2018-01-13. Review status: criteria provided, single submitter. Criteria: ICSL Variant Classification Criteria 13 December 2019. Collection method: clinical testing. Allele origin: germline.
Comment: This variant was observed in the ICSL laboratory as part of a predisposition screen in an ostensibly healthy population. It had not been previously curated by ICSL or reported in the Human Gene Mutation Database (HGMD: prior to June 1st, 2018), and was therefore a candidate for classification through an automated scoring system. Utilizing variant allele frequency, disease prevalence and penetrance estimates, and inheritance mode, an automated score was calculated to assess if this variant is too frequent to cause the disease. Based on the score and internal cut-off values, a variant classified as benign is not then subjected to further curation. The score for this variant resulted in a classification of benign for this disease.

GeneDx
Classification: Benign. Last evaluated: 2015-03-03. Review status: criteria provided, single submitter. Criteria: GeneDx Variant Classification Process June 2021. Collection method: clinical testing. Allele origin: germline. Affected: yes.

Breakthrough Genomics
Classification: Benign. Review status: criteria provided, single submitter. Criteria: ACMG Guidelines, 2015. Collection method: not provided. Allele origin: germline. Inheritance: Autosomal recessive inheritance. Affected: yes.

PreventionGenetics, part of Exact Sciences
Classification: Benign. Review status: criteria provided, single submitter. Criteria: ACMG Guidelines, 2015. Collection method: clinical testing. Allele origin: germline.

Clinical Genetics, Academic Medical Center
Classification: Benign. Review status: no assertion criteria provided. Collection method: clinical testing. Allele origin: germline. Affected: yes. Study: VKGL Data-share Consensus. Not counted in ClinVar's aggregate classification.

Diagnostic Laboratory, Department of Genetics, University Medical Center Groningen
Classification: Benign. Review status: no assertion criteria provided. Collection method: clinical testing. Allele origin: germline. Affected: yes. Study: VKGL Data-share Consensus. Not counted in ClinVar's aggregate classification.

Joint Genome Diagnostic Labs from Nijmegen and Maastricht, Radboudumc and MUMC+
Classification: Benign. Review status: no assertion criteria provided. Collection method: clinical testing. Allele origin: germline. Affected: yes. Study: VKGL Data-share Consensus. Not counted in ClinVar's aggregate classification.